The following is an entry in ClinVar:

NM_001114753.3(ENG):c.374T>A (p.Val125Asp)

Gene: ENG (endoglin; minus strand). Cytogenetic location: 9q34.11.
Variant type: single nucleotide variant.
Coding change: c.374T>A on transcript NM_001114753.3 (MANE Select); coding-DNA position 374, T replaced by A.
Protein change: p.Val125Asp; replaces valine 125 with aspartic acid.
Molecular consequence: missense variant. On other transcripts: 5 prime UTR variant (1).
Genome position (GRCh38, 1-based): chr9:127,826,659, A>T on the plus strand (T>A on the coding strand, the complement: ENG is on the minus strand). VCF-style: chr9-127826659-A-T. GRCh37 (hg19) VCF-style: chr9-130588938-A-T.
Other names: c.374T>A, p.Val125Asp (NM_000118.4, NM_001406715.1); c.-173T>A (NM_001278138.2); short protein forms V125D.
Identifiers: ClinVar variation 429941 (VCV000429941.9), dbSNP rs750115837, ClinGen allele CA374984418.

ClinVar aggregate classification (germline): Conflicting classifications of pathogenicity. Review status: criteria provided, conflicting classifications (1 of 4 stars). 2 submissions from 2 submitters: Likely pathogenic (1); Uncertain significance (1). Last evaluated 2026-10-20.

Conditions:
Hereditary hemorrhagic telangiectasia (HHT). Also called: ORW DISEASE; Osler Weber Rendu syndrome; OSLER-RENDU-WEBER DISEASE; Osler hemorrhagic telangiectasia syndrome. Identifiers: Orphanet 774, MedGen C0039445, MONDO:0019180. Disease mechanism: loss of function.

Submissions (2):

GeneDx
Classification: Likely pathogenic. Last evaluated: 2026-10-20. Review status: criteria provided, single submitter. Criteria: GeneDx Variant Classification Process June 2021. Collection method: clinical testing. Allele origin: germline.
Comment: Not observed at significant frequency in large population cohorts (gnomAD); In silico analysis supports that this missense variant has a deleterious effect on protein structure/function; This variant is associated with the following publications: (PMID: 16611099, 12667943, 35281255, 22022569, 16752392, 28564608, 11440987)

Labcorp Genetics (formerly Invitae), Labcorp
Classification: Uncertain significance for Hereditary hemorrhagic telangiectasia. Last evaluated: 2024-01-18. Review status: criteria provided, single submitter. Criteria: Invitae Variant Classification Sherloc (09022015). Collection method: clinical testing. Allele origin: germline.
Comment: This sequence change replaces valine, which is neutral and non-polar, with aspartic acid, which is acidic and polar, at codon 125 of the ENG protein (p.Val125Asp). This variant is not present in population databases (gnomAD no frequency). This missense change has been observed in individual(s) with ENG-related conditions (PMID: 11440987). ClinVar contains an entry for this variant (Variation ID: 429941). Advanced modeling of protein sequence and biophysical properties (such as structural, functional, and spatial information, amino acid conservation, physicochemical variation, residue mobility, and thermodynamic stability) performed at Invitae indicates that this missense variant is not expected to disrupt ENG protein function with a negative predictive value of 80%. Experimental studies have shown that this missense change affects ENG function (PMID: 22022569). In summary, the available evidence is currently insufficient to determine the role of this variant in disease. Therefore, it has been classified as a Variant of Uncertain Significance.

Literature cited by the submitters: PubMed 11440987 (cited by Labcorp Genetics (formerly Invitae), Labcorp); PubMed 22022569 (cited by Labcorp Genetics (formerly Invitae), Labcorp).